The following is an entry in ClinVar:

ClinVar aggregate classification (germline): Pathogenic (1 of 4 stars; one submission).

Conditions:
Inborn genetic diseases. Identifiers: MedGen C0950123, MeSH D030342.

Submission:

Ambry Genetics
Classification: Pathogenic for Inborn genetic diseases. Last evaluated: 2024-02-08. Review status: criteria provided, single submitter. Criteria: Ambry Variant Classification Scheme 2023. Collection method: clinical testing. Allele origin: germline.
Comment: The c.1984_1990dupGAGCTGC (p.P664Rfs*11) alteration, located in exon 11 (coding exon 8) of the KDM6B gene, consists of a duplication of GAGCTGC at position 1984, causing a translational frameshift with a predicted alternate stop codon after 11 amino acids. This alteration is expected to result in loss of function by premature protein truncation or nonsense-mediated mRNA decay. This variant was not reported in population-based cohorts in the Genome Aggregation Database (gnomAD). Based on the available evidence, this alteration is classified as pathogenic.

NM_001348716.2(KDM6B):c.1984_1990dup (p.Pro664fs)

Gene: KDM6B (lysine demethylase 6B; plus strand). Cytogenetic location: 17p13.1.
Variant type: Duplication.
Coding change: c.1984_1990dup on transcript NM_001348716.2 (MANE Select); coding-DNA positions 1984 to 1990, 7 bases duplicated (GAGCTGC; older notation c.1984_1990dupGAGCTGC).
Protein change: p.Pro664fs; shifts the reading frame from proline 664.
Molecular consequence: frameshift variant.
Genome position (GRCh38, 1-based): chr17:7,848,272-7,848,278, GAGCTGC duplicated. VCF-style (leftmost placement, unchanged base first): chr17-7848271-G-GGAGCTGC. GRCh37 (hg19) VCF-style: chr17-7751589-G-GGAGCTGC.
Other names: c.1984_1990dup, p.Pro664fs (NM_001080424.2); short protein forms P664fs.
Identifiers: ClinVar variation 3113889 (VCV003113889.1), dbSNP rs2544526206, ClinGen allele CA2825002659.